The following is an entry in ClinVar:

ClinVar aggregate classification (germline): Uncertain significance. Review status: criteria provided, multiple submitters, no conflicts (2 of 4 stars). 2 submissions from 2 submitters: Uncertain significance (2). Last evaluated 2025-01-23.

Conditions:
Primary ciliary dyskinesia. Also called: Ciliary dyskinesia. Identifiers: Orphanet 244, MedGen C0008780, MONDO:0016575, HP:0012265.
Inborn genetic diseases. Identifiers: MedGen C0950123, MeSH D030342.

gnomAD v4.1: 3 of 1,614,014 alleles (0.00019%); highest among the groups gnomAD compares: African/African-American, 0.0027%; no homozygotes.

Submissions (2):

Ambry Genetics
Classification: Uncertain significance for Inborn genetic diseases. Last evaluated: 2025-01-23. Review status: criteria provided, single submitter. Criteria: Ambry Variant Classification Scheme 2023. Collection method: clinical testing. Allele origin: germline.

Labcorp Genetics (formerly Invitae), Labcorp
Classification: Uncertain significance for Primary ciliary dyskinesia. Last evaluated: 2024-02-07. Review status: criteria provided, single submitter. Criteria: Invitae Variant Classification Sherloc (09022015). Collection method: clinical testing. Allele origin: germline.
Comment: This sequence change replaces glutamic acid, which is acidic and polar, with lysine, which is basic and polar, at codon 110 of the ZMYND10 protein (p.Glu110Lys). This variant is not present in population databases (gnomAD no frequency). This missense change has been observed in individual(s) with primary ciliary dyskinesia (Invitae). Advanced modeling of protein sequence and biophysical properties (such as structural, functional, and spatial information, amino acid conservation, physicochemical variation, residue mobility, and thermodynamic stability) performed at Invitae indicates that this missense variant is expected to disrupt ZMYND10 protein function with a positive predictive value of 80%. In summary, the available evidence is currently insufficient to determine the role of this variant in disease. Therefore, it has been classified as a Variant of Uncertain Significance.

NM_015896.4(ZMYND10):c.328G>A (p.Glu110Lys)

Gene: ZMYND10 (zinc finger MYND-type containing 10; minus strand). Cytogenetic location: 3p21.31.
Variant type: single nucleotide variant.
Coding change: c.328G>A on transcript NM_015896.4 (MANE Select); coding-DNA position 328, G replaced by A.
Protein change: p.Glu110Lys; replaces glutamic acid 110 with lysine.
Molecular consequence: missense variant.
Genome position (GRCh38, 1-based): chr3:50,343,607, C>T on the plus strand (G>A on the coding strand, the complement: ZMYND10 is on the minus strand). VCF-style: chr3-50343607-C-T. GRCh37 (hg19) VCF-style: chr3-50381038-C-T.
Other names: c.328G>A (NM_015896.2); c.328G>A, p.Glu110Lys (NM_001308379.2); short protein forms E110K.
Identifiers: ClinVar variation 3670900 (VCV003670900.3).
Genomic context (GRCh38, chr3:50,343,607, plus strand): 5'-AGAGATAGTCCCTCACCTTGTGGAAGAACACTGTCTCCAAGAGGTTGATGATGGAGGCCT[C>T]GTGGTGCACCTGTCAGATAAAGAGAAGGACAGGGCCTGAGGAAGGGATAGGGGCTACCAG-3'
Protein context (NP_056980.2, residues 100-120): TFPIYMVVHH[Glu110Lys]ASIINLLETV